The following is an entry in ClinVar:

ClinVar aggregate classification (germline): Uncertain significance. Review status: criteria provided, multiple submitters, no conflicts (2 of 4 stars). 3 submissions from 3 submitters: Uncertain significance (3). Last evaluated 2025-11-18.

Conditions:
Pityriasis rubra pilaris (PRP). Also called: Pityriasis rubra pilaris--familial type. Identifiers: Orphanet 2897, MedGen C0032027, MONDO:0100017, OMIM 173200, MONDO:0008251.
Psoriasis 2. Identifiers: MedGen C1864497, MONDO:0011269, OMIM 602723.
Autoinflammatory syndrome. Identifiers: Orphanet 93665, MedGen C3890737, MONDO:0019751.

Allele frequency attached by ClinVar (database versions not stated): TOPMed 0.00012; gnomAD 0.00013; 1000 Genomes Project 30x 0.00016; gnomAD exomes 0.00017; ExAC 0.00018; 1000 Genomes Project 0.00020; ESP Exome Variant Server 0.00039.
gnomAD v4.1: 289 of 1,585,902 alleles (0.018%); highest among the groups gnomAD compares: Non-Finnish European, 0.022%; no homozygotes.

Submissions (3):

Labcorp Genetics (formerly Invitae), Labcorp
Classification: Uncertain significance for Pityriasis rubra pilaris; Psoriasis 2. Last evaluated: 2025-11-18. Review status: criteria provided, single submitter. Criteria: Invitae Variant Classification Sherloc (09022015). Collection method: clinical testing. Allele origin: germline.
Comment: This sequence change replaces alanine, which is neutral and non-polar, with valine, which is neutral and non-polar, at codon 294 of the CARD14 protein (p.Ala294Val). This variant is present in population databases (rs139466192, gnomAD 0.06%), and has an allele count higher than expected for a pathogenic variant. This variant has not been reported in the literature in individuals affected with CARD14-related conditions. ClinVar contains an entry for this variant (Variation ID: 444417). Invitae Evidence Modeling of protein sequence and biophysical properties (such as structural, functional, and spatial information, amino acid conservation, physicochemical variation, residue mobility, and thermodynamic stability) has been performed for this missense variant. However, the output from this modeling did not meet the statistical confidence thresholds required to predict the impact of this variant on CARD14 protein function. In summary, the available evidence is currently insufficient to determine the role of this variant in disease. Therefore, it has been classified as a Variant of Uncertain Significance.

Genome Diagnostics Laboratory, The Hospital for Sick Children
Classification: Uncertain significance for Autoinflammatory syndrome. Last evaluated: 2022-03-17. Review status: criteria provided, single submitter. Criteria: ACMG Guidelines, 2015. Collection method: clinical testing. Allele origin: germline. Affected: yes.

CeGaT Center for Human Genetics Tuebingen
Classification: Uncertain significance. Last evaluated: 2017-02-01. Review status: criteria provided, single submitter. Criteria: CeGaT Center For Human Genetics Tuebingen Variant Classification Criteria Version 2. Collection method: clinical testing. Allele origin: germline. Affected: yes. Observed: 1 variant allele.

NM_001366385.1(CARD14):c.881C>T (p.Ala294Val)

Gene: CARD14 (caspase recruitment domain family member 14; plus strand). Cytogenetic location: 17q25.3.
Variant type: single nucleotide variant.
Coding change: c.881C>T on transcript NM_001366385.1 (MANE Select); coding-DNA position 881, C replaced by T.
Protein change: p.Ala294Val; replaces alanine 294 with valine.
Molecular consequence: missense variant. On other transcripts: non-coding transcript variant (1).
Genome position (GRCh38, 1-based): chr17:80,189,790, C>T. VCF-style: chr17-80189790-C-T. GRCh37 (hg19) VCF-style: chr17-78163589-C-T.
Other names: c.881C>T, p.Ala294Val (NM_001257970.1, NM_024110.4); c.170C>T, p.Ala57Val (NM_052819.3); short protein forms A294V, A57V.
Identifiers: ClinVar variation 444417 (VCV000444417.52), dbSNP rs139466192, ClinGen allele CA8816561.